The following is an entry in ClinVar:

ClinVar aggregate classification (germline): Likely pathogenic (1 of 4 stars; one submission).

Conditions:
Oculodentodigital dysplasia, autosomal recessive. Also called: OCULODENTOOSSEOUS DYSPLASIA, AUTOSOMAL RECESSIVE; ODDD, AUTOSOMAL RECESSIVE; ODOD, AUTOSOMAL RECESSIVE. Identifiers: Orphanet 2710, MedGen C2749477, MONDO:0009768, OMIM 257850.

Submission:

Labcorp Genetics (formerly Invitae), Labcorp
Classification: Likely pathogenic for Oculodentodigital dysplasia, autosomal recessive. Last evaluated: 2021-04-02. Review status: criteria provided, single submitter. Criteria: Invitae Variant Classification Sherloc (09022015). Collection method: clinical testing. Allele origin: germline.
Comment: In summary, the currently available evidence indicates that the variant is pathogenic, but additional data are needed to prove that conclusively. Therefore, this variant has been classified as Likely Pathogenic. Algorithms developed to predict the effect of missense changes on protein structure and function (SIFT, PolyPhen-2, Align-GVGD) all suggest that this variant is likely to be disruptive, but these predictions have not been confirmed by published functional studies and their clinical significance is uncertain. This variant has been observed in individual(s) with clinical features of oculodentodigital dysplasia (Invitae). In at least one individual the variant was observed to be de novo. This variant is not present in population databases (ExAC no frequency). This sequence change replaces tyrosine with histidine at codon 66 of the GJA1 protein (p.Tyr66His). The tyrosine residue is highly conserved and there is a moderate physicochemical difference between tyrosine and histidine.

NM_000165.5(GJA1):c.196T>C (p.Tyr66His)

Gene: GJA1 (gap junction protein alpha 1; plus strand). Cytogenetic location: 6q22.31.
Variant type: single nucleotide variant.
Coding change: c.196T>C on transcript NM_000165.5 (MANE Select); coding-DNA position 196, T replaced by C.
Protein change: p.Tyr66His; replaces tyrosine 66 with histidine.
Molecular consequence: missense variant.
Genome position (GRCh38, 1-based): chr6:121,447,043, T>C. VCF-style: chr6-121447043-T-C. GRCh37 (hg19) VCF-style: chr6-121768189-T-C.
Other names: short protein forms Y66H.
Identifiers: ClinVar variation 1345508 (VCV001345508.8), dbSNP rs2114283106, ClinGen allele CA365558202.